The following is an entry in ClinVar:

NM_004104.5(FASN):c.4122+5G>A

Gene: FASN (fatty acid synthase; minus strand). Cytogenetic location: 17q25.3.
Variant type: single nucleotide variant.
Coding change: c.4122+5G>A on transcript NM_004104.5 (MANE Select); 5 bases into the intron after coding-DNA position 4122, G replaced by A.
Molecular consequence: intron variant.
Genome position (GRCh38, 1-based): chr17:82,085,477, C>T on the plus strand (G>A on the coding strand, the complement: FASN is on the minus strand). VCF-style: chr17-82085477-C-T. GRCh37 (hg19) VCF-style: chr17-80043353-C-T.
Identifiers: ClinVar variation 531062 (VCV000531062.6), dbSNP rs750312479, ClinGen allele CA8852204.

ClinVar aggregate classification (germline): Uncertain significance (1 of 4 stars; one submission).

Conditions:
Epileptic encephalopathy. Identifiers: MedGen C0543888, HP:0200134.

Allele frequency attached by ClinVar (database versions not stated): TOPMed 0.00002; ExAC 0.00018; gnomAD 0.00001; gnomAD exomes 0.00007 and 0.00003.
gnomAD v4.1: 51 of 1,589,210 alleles (0.0032%); highest among the groups gnomAD compares: East Asian, 0.0046%; no homozygotes.

Submission:

Labcorp Genetics (formerly Invitae), Labcorp
Classification: Uncertain significance for Epileptic encephalopathy. Last evaluated: 2021-06-19. Review status: criteria provided, single submitter. Criteria: Invitae Variant Classification Sherloc (09022015). Collection method: clinical testing. Allele origin: germline.
Comment: In summary, the available evidence is currently insufficient to determine the role of this variant in disease. Therefore, it has been classified as a Variant of Uncertain Significance. Nucleotide substitutions within the consensus splice site are a relatively common cause of aberrant splicing (PMID: 17576681, 9536098). Algorithms developed to predict the effect of sequence changes on RNA splicing suggest that this variant may disrupt the consensus splice site, but this prediction has not been confirmed by published transcriptional studies. This variant has not been reported in the literature in individuals with FASN-related disease. This variant is present in population databases (rs750312479, ExAC 0.03%), and has an allele count higher than expected for a pathogenic variant (PMID: 28166811). This sequence change falls in intron 23 of the FASN gene. It does not directly change the encoded amino acid sequence of the FASN protein, but it affects a nucleotide within the consensus splice site of the intron.

Literature cited by the submitters: PubMed 17576681; PubMed 9536098; PubMed 28166811.